The following is an entry in ClinVar:

ClinVar aggregate classification (germline): Uncertain significance (0 of 4 stars; one submission).

Conditions:
AMACR-related disorder. Also called: AMACR-related condition; AMACR-Related Disorders.

Submission:

PreventionGenetics, part of Exact Sciences
Classification: Uncertain significance for AMACR-related condition. Last evaluated: 2024-04-09. Review status: no assertion criteria provided. Collection method: clinical testing. Allele origin: germline.
Comment: The AMACR c.1057A>T variant is predicted to result in the amino acid substitution p.Ile353Leu. To our knowledge, this variant has not been reported in the literature or in a large population database, indicating this variant is rare. At this time, the clinical significance of this variant is uncertain due to the absence of conclusive functional and genetic evidence.

NM_014324.6(AMACR):c.1057A>T (p.Ile353Leu)

Genes: AMACR (alpha-methylacyl-CoA racemase; minus strand), C1QTNF3-AMACR (C1QTNF3-AMACR readthrough (NMD candidate); minus strand). Cytogenetic location: 5p13.2.
Variant type: single nucleotide variant.
Coding change: c.1057A>T on transcript NM_014324.6 (MANE Select); coding-DNA position 1057, A replaced by T.
Protein change: p.Ile353Leu; replaces isoleucine 353 with leucine.
Molecular consequence: missense variant. On other transcripts: non-coding transcript variant (1), 3 prime UTR variant (1).
Genome position (GRCh38, 1-based): chr5:33,989,185, T>A on the plus strand (A>T on the coding strand, the complement: AMACR is on the minus strand). VCF-style: chr5-33989185-T-A. GRCh37 (hg19) VCF-style: chr5-33989290-T-A.
Other names: c.1057A>T, p.Ile353Leu (NM_001167595.2); c.*299A>T (NM_203382.3); short protein forms I353L.
Identifiers: ClinVar variation 3344868 (VCV003344868.1).